The following is an entry in ClinVar:

ClinVar aggregate classification (germline): Uncertain significance. Review status: criteria provided, multiple submitters, no conflicts (2 of 4 stars). 2 submissions from 2 submitters: Uncertain significance (2). Last evaluated 2025-02-14.

Conditions:
TUBB-related disorder. Also called: TUBB-related condition.

Submissions (2):

GeneDx
Classification: Uncertain significance. Last evaluated: 2025-02-14. Review status: criteria provided, single submitter. Criteria: GeneDx Variant Classification Process June 2021. Collection method: clinical testing. Allele origin: germline. Affected: yes.
Comment: Not observed at significant frequency in large population cohorts (gnomAD); In silico analysis supports that this missense variant has a deleterious effect on protein structure/function; This variant is associated with the following publications: (PMID: 38997333)

PreventionGenetics, part of Exact Sciences
Classification: Uncertain significance for TUBB-related condition. Last evaluated: 2023-07-13. Review status: criteria provided, single submitter. Criteria: ACMG Guidelines, 2015. Collection method: clinical testing. Allele origin: germline.
Comment: The TUBB c.830G>A variant is predicted to result in the amino acid substitution p.Gly277Glu. To our knowledge, this variant has not been reported in the literature or in a large population database, indicating this variant is rare. At this time, the clinical significance of this variant is uncertain due to the absence of conclusive functional and genetic evidence.

NM_178014.4(TUBB):c.830G>A (p.Gly277Glu)

Gene: TUBB (tubulin beta class I; plus strand). Cytogenetic location: 6p21.33.
Variant type: single nucleotide variant.
Coding change: c.830G>A on transcript NM_178014.4 (MANE Select); coding-DNA position 830, G replaced by A.
Protein change: p.Gly277Glu; replaces glycine 277 with glutamic acid.
Molecular consequence: missense variant. On other transcripts: intron variant (1).
Genome position (GRCh38, 1-based): chr6:30,723,892, G>A. VCF-style: chr6-30723892-G-A. GRCh37 (hg19) VCF-style: chr6-30691669-G-A.
Other names: c.890G>A, p.Gly297Glu (NM_001293212.2); c.698G>A, p.Gly233Glu (NM_001293214.2); c.614G>A, p.Gly205Glu (NM_001293215.2, NM_001293216.2); c.370-146G>A (NM_001293213.2); short protein forms G205E, G233E, G277E, G297E.
Identifiers: ClinVar variation 1309522 (VCV001309522.4), dbSNP rs2127749601, ClinGen allele CA363148769.
Genomic context (GRCh38, chr6:30,723,892, plus strand): 5'-TGGTCCCCTTCCCACGTCTCCATTTCTTTATGCCTGGCTTTGCCCCTCTCACCAGCCGTG[G>A]AAGCCAGCAGTATCGAGCTCTCACAGTGCCGGAACTCACCCAGCAGGTCTTCGATGCCAA-3'
Protein context (NP_821133.1, residues 267-287): MPGFAPLTSR[Gly277Glu]SQQYRALTVP